The following is an entry in ClinVar:

NM_001267550.2(TTN):c.2275G>A (p.Val759Ile)

Gene: TTN (titin; minus strand). Cytogenetic location: 2q31.2.
Variant type: single nucleotide variant.
Coding change: c.2275G>A on transcript NM_001267550.2 (MANE Select); coding-DNA position 2275, G replaced by A.
Protein change: p.Val759Ile; replaces valine 759 with isoleucine.
Molecular consequence: missense variant.
Genome position (GRCh38, 1-based): chr2:178,785,943, C>T on the plus strand (G>A on the coding strand, the complement: TTN is on the minus strand). VCF-style: chr2-178785943-C-T. GRCh37 (hg19) VCF-style: chr2-179650670-C-T.
Other names: c.2137G>A, p.Val713Ile (NM_003319.4, NM_133432.3, NM_133437.4); c.2275G>A, p.Val759Ile (NM_133378.4, NM_133379.5, NM_001256850.1); short protein forms V759I, V713I.
Identifiers: ClinVar variation 626707 (VCV000626707.7), dbSNP rs769333723, ClinGen allele CA2005864.

ClinVar aggregate classification (germline): Uncertain significance. Review status: criteria provided, multiple submitters, no conflicts (2 of 4 stars). 4 submissions from 4 submitters: Uncertain significance (4). Last evaluated 2025-06-13.

Conditions:
Myopathy, myofibrillar, 9, with early respiratory failure (MFM9). Also called: Myopathy, distal, with early respiratory failure, autosomal dominant; Hereditary myopathy with early respiratory failure; EDSTROM MYOPATHY; MYOPATHY, PROXIMAL, WITH EARLY RESPIRATORY MUSCLE INVOLVEMENT. Identifiers: Orphanet 178464, Orphanet 34521, MedGen C1863599, MONDO:0011362, OMIM 603689.
Dilated cardiomyopathy 1G (CMD1G). Identifiers: Orphanet 154, MedGen C1858763, MONDO:0011400, OMIM 604145.
Early-onset myopathy with fatal cardiomyopathy (CMYO5). Also called: CONGENITAL MYOPATHY 5 WITH CARDIOMYOPATHY; Salih Myopathy. Identifiers: Orphanet 289377, MedGen C2673677, MONDO:0012714, OMIM 611705. Disease mechanism: loss of function.
Hypertrophic cardiomyopathy 9. Also called: Familial hypertrophic cardiomyopathy 9. Identifiers: MedGen C1861065, MONDO:0013412, OMIM 613765.
Autosomal recessive limb-girdle muscular dystrophy type 2J (LGMDR10). Also called: MUSCULAR DYSTROPHY, LIMB-GIRDLE, AUTOSOMAL RECESSIVE 10; Limb-girdle muscular dystrophy, type 2J. Identifiers: Orphanet 140922, MedGen C1837342, MONDO:0012127, OMIM 608807.
Tibial muscular dystrophy (TMD). Also called: Tibial muscular dystrophy, tardive; Udd Distal Myopathy – Tibial Muscular Dystrophy; UDD MYOPATHY. Identifiers: Orphanet 609, MedGen C1838244, MONDO:0010870, OMIM 600334.
Cardiomyopathy (CMYO). Also called: Cardiomyopathies. Identifiers: Orphanet 167848, MedGen C0878544, MONDO:0004994, HP:0001638. Inheritance: Various modes of inheritance.
TTN-related disorder. Also called: TTN-related condition; TTN-related disease; TTN-related disorders.

Allele frequency attached by ClinVar (database versions not stated): gnomAD 0.00003 and 0.00001; TOPMed 0.00003; gnomAD exomes 0.00001; ExAC 0.00002.
gnomAD v4.1: 19 of 1,613,940 alleles (0.0012%); highest among the groups gnomAD compares: Non-Finnish European, 0.0015%; no homozygotes.

Submissions (4):

PreventionGenetics, part of Exact Sciences
Classification: Uncertain significance for TTN-related condition. Last evaluated: 2025-06-13. Review status: criteria provided, single submitter. Criteria: ACMG Guidelines, 2015. Collection method: clinical testing. Allele origin: germline.
Comment: The TTN c.2275G>A variant is predicted to result in the amino acid substitution p.Val759Ile. To our knowledge, this variant has not been reported in the literature. This variant is reported in 0.0018% of alleles in individuals of European (Non-Finnish) descent in gnomAD. At this time, the clinical significance of this variant is uncertain due to the absence of conclusive functional and genetic evidence.

Revvity Omics, Revvity
Classification: Uncertain significance. Last evaluated: 2022-10-11. Review status: criteria provided, single submitter. Criteria: ACMG Guidelines, 2015. Collection method: clinical testing. Allele origin: germline.

Fulgent Genetics
Classification: Uncertain significance for Tibial muscular dystrophy; Myopathy, myofibrillar, 9, with early respiratory failure; Dilated cardiomyopathy 1G; Autosomal recessive limb-girdle muscular dystrophy type 2J; Early-onset myopathy with fatal cardiomyopathy; Hypertrophic cardiomyopathy 9. Last evaluated: 2021-10-29. Review status: criteria provided, single submitter. Criteria: ACMG Guidelines, 2015. Collection method: clinical testing. Allele origin: unknown.

CHEO Genetics Diagnostic Laboratory, Children's Hospital of Eastern Ontario
Classification: Uncertain significance for Cardiomyopathy. Last evaluated: 2016-04-22. Review status: criteria provided, single submitter. Criteria: ACMG Guidelines, 2015. Collection method: clinical testing. Allele origin: germline. Study: Canadian Open Genetics Repository.